The following is an entry in ClinVar:

ClinVar aggregate classification (germline): Pathogenic. Review status: criteria provided, multiple submitters, no conflicts (2 of 4 stars). 8 submissions from 8 submitters: Pathogenic (7). 1 of the submissions does not count toward it. Last evaluated 2026-01-27.

Conditions:
Charcot-Marie-Tooth disease type 2. Also called: Charcot-Marie-Tooth type 2. Identifiers: Orphanet 64746, MedGen C0270914, MONDO:0018993.
Inborn genetic diseases. Identifiers: MedGen C0950123, MeSH D030342.
Charcot-Marie-Tooth disease type 2A2. Also called: CHARCOT-MARIE-TOOTH DISEASE, AXONAL, AUTOSOMAL DOMINANT, TYPE 2A2A; CHARCOT-MARIE-TOOTH DISEASE, NEURONAL, TYPE 2A2; Charcot-Marie-Tooth Neuropathy Type 2A2; HEREDITARY MOTOR AND SENSORY NEUROPATHY IIA2; HMSN IIA2; CHARCOT-MARIE-TOOTH DISEASE, AXONAL, TYPE 2A2. Identifiers: Orphanet 99947, MedGen C4721887, MONDO:0012231, OMIM 609260.

Allele frequency attached by ClinVar (database versions not stated): TOPMed 0.00001.
gnomAD v4.1: 2 of 1,614,100 alleles (0.00012%); highest among the groups gnomAD compares: Non-Finnish European, 0.00017%; no homozygotes.

Submissions (8):

Labcorp Genetics (formerly Invitae), Labcorp
Classification: Pathogenic for Charcot-Marie-Tooth disease type 2. Last evaluated: 2026-01-27. Review status: criteria provided, single submitter. Criteria: Invitae Variant Classification Sherloc (09022015). Collection method: clinical testing. Allele origin: germline.
Comment: This sequence change replaces leucine, which is neutral and non-polar, with proline, which is neutral and non-polar, at codon 76 of the MFN2 protein (p.Leu76Pro). This variant is not present in population databases (gnomAD no frequency). This missense change has been observed in individuals with Charcot-Marie-Tooth disease (PMID: 10732809, 15064763, 16714318, 25614874). It has also been observed to segregate with disease in related individuals. ClinVar contains an entry for this variant (Variation ID: 2270). Invitae Evidence Modeling of protein sequence and biophysical properties (such as structural, functional, and spatial information, amino acid conservation, physicochemical variation, residue mobility, and thermodynamic stability) has been performed for this missense variant. However, the output from this modeling did not meet the statistical confidence thresholds required to predict the impact of this variant on MFN2 protein function. Experimental studies have shown that this missense change affects MFN2 function (PMID: 17215403, 17296794, 20335458). For these reasons, this variant has been classified as Pathogenic.

GeneDx
Classification: Pathogenic. Last evaluated: 2025-10-24. Review status: criteria provided, single submitter. Criteria: GeneDx Variant Classification Process June 2021. Collection method: clinical testing. Allele origin: germline. Affected: yes.
Comment: Reported as a common pathogenic variant in individuals with Charcot-Marie-Tooth (PMID: 25614874, 19584314); Segregates with disease in affected individuals in a family with CMT2A characterized by severe distal weakness and atrophy with mild distal sensory loss, proximal muscle strength was reported as normal and the age of onset ranged from 7 to 44 years (PMID: 15064763, 10732809); Reported previously as a pathogenic variant in a patient with neuropathy; however, no other clinical information was provided (PMID: 31701603); Functional studies suggest the L76P variant results in mitochondrial aggregation and altered mitochondrial mobility and morphology (PMID: 17215403, 26968460, 29898954); In silico analysis supports that this missense variant has a deleterious effect on protein structure/function; Not observed at significant frequency in large population cohorts (gnomAD); This variant is associated with the following publications: (PMID: 17296794, 26143526, 10732809, 33049996, 26968460, 20335458, 19584314, 22957060, 16714318, 29898954, 31127728, 9333264, 28380071, 31096646, Yenkin2022[FunctionalStudy], 15064763, 17215403, 25614874, 31701603, 36098092)

Clinical Biomedical Laboratory, Shriners Hospital For Children - Canada
Classification: Pathogenic for Charcot-Marie-Tooth disease type 2A2. Last evaluated: 2025-10-05. Review status: criteria provided, single submitter. Criteria: ACMG Guidelines, 2015. Collection method: clinical testing. Allele origin: germline. Affected: yes.
Comment: The variant changes a leucine residue in MFN2 to a proline residue. MFN2 is associated with autosomal dominant Charcot-Marie-Tooth disease, axonal, type 2A2A, which corresponds to the clinical diagnosis of the proband. This variant is absent from the Genome Aggregation Database (v2.1.1). The variant is predicted to be damaging to protein function (Revel 0.721). This variant has been reported in the literature multiple times (e.g., PMID 33415332).

Ambry Genetics
Classification: Pathogenic for Inborn genetic diseases. Last evaluated: 2025-09-15. Review status: criteria provided, single submitter. Criteria: Ambry Variant Classification Scheme 2023. Collection method: clinical testing. Allele origin: germline.
Comment: The c.227T>C (p.L76P) alteration is located in exon 4 (coding exon 2) of the MFN2 gene. This alteration results from a T to C substitution at nucleotide position 227, causing the leucine (L) at amino acid position 76 to be replaced by a proline (P). for autosomal dominant MFN2-related neuropathy; however, its clinical significance for autosomal recessive MFN2-related neuropathy is uncertain. This variant was not reported in population-based cohorts in the Genome Aggregation Database (gnomAD). This variant was identified in one or more individuals with features consistent with MFN2-related neuropathy (Z&uuml;chner, 2004; DiVincenzo, 2014; Lee, 2019; Pipis, 2020; Babu, 2023) and segregated with disease in at least one family (Z&uuml;chner, 2004; Babu, 2023). This amino acid position is not well conserved in available vertebrate species. In multiple assays testing MFN2 function, this variant showed functionally abnormal results (Baloh, 2007; Detmer, 2007; Misko, 2010). An animal model expressing this variant exhibited phenotype(s) consistent with MFN2-related disease (El Fissi, 2018). The p.L76P alteration is predicted to be deleterious by in silico analysis. Based on the available evidence, this alteration is classified as pathogenic.

Mayo Clinic Laboratories, Mayo Clinic
Classification: Pathogenic. Last evaluated: 2024-10-30. Review status: criteria provided, single submitter. Criteria: ACMG Guidelines, 2015. Collection method: clinical testing. Allele origin: germline. Observed: 2 variant alleles.
Comment: PP1, PM2_supporting, PS3, PS4

Athena Diagnostics
Classification: Pathogenic. Last evaluated: 2022-07-29. Review status: criteria provided, single submitter. Criteria: Athena Diagnostics Criteria. Collection method: clinical testing. Allele origin: unknown.
Comment: The frequency of this variant in the general population is consistent with pathogenicity. This variant has been identified in at least one individual with clinical features of Charcot-Marie-Tooth disease. This variant occurs as the most likely explanation for disease in a significant number of internal cases, suggesting this variant is associated with disease. Assessment of experimental evidence suggests this variant results in abnormal protein function. Studies demonstrate significant changes to mitochondrial function in various model systems (PMID: 20335458, 26968460, 29898954). The variant is located in a region that is considered important for protein function and/or structure.

Eurofins Ntd Llc (ga)
Classification: Pathogenic. Last evaluated: 2017-08-28. Review status: criteria provided, single submitter. Criteria: EGL Classification Definitions 2015. Collection method: clinical testing. Allele origin: germline. Observed: 1 variant allele, 1 heterozygote.

OMIM
Classification: Pathogenic for CHARCOT-MARIE-TOOTH DISEASE, AXONAL, TYPE 2A2A. Last evaluated: 2004-05-01. Review status: no assertion criteria provided. Collection method: literature only. Allele origin: germline. Not counted in ClinVar's aggregate classification.

Literature cited by the submitters: PubMed 10732809 (cited by 4 submitters); PubMed 15064763 (cited by 6 submitters); PubMed 16714318 (cited by 3 submitters); PubMed 25614874 (cited by 5 submitters); PubMed 17215403 (cited by 5 submitters); PubMed 17296794 (cited by 5 submitters); PubMed 20335458 (cited by 4 submitters); PubMed 33415332 (cited by 3 submitters); PubMed 29898954 (cited by Ambry Genetics and Athena Diagnostics); PubMed 31701603 (cited by Ambry Genetics and Athena Diagnostics); PubMed 36098092 (cited by Ambry Genetics); PubMed 26143526 (cited by Mayo Clinic Laboratories, Mayo Clinic); PubMed 26968460 (cited by Athena Diagnostics); PubMed 28380071 (cited by Athena Diagnostics).

NM_014874.4(MFN2):c.227T>C (p.Leu76Pro)

Gene: MFN2 (mitofusin 2; plus strand). Cytogenetic location: 1p36.22.
Variant type: single nucleotide variant.
Coding change: c.227T>C on transcript NM_014874.4 (MANE Select); coding-DNA position 227, T replaced by C.
Protein change: p.Leu76Pro; replaces leucine 76 with proline.
Molecular consequence: missense variant.
Genome position (GRCh38, 1-based): chr1:11,992,606, T>C. VCF-style: chr1-11992606-T-C. GRCh37 (hg19) VCF-style: chr1-12052663-T-C.
Other names: p.L76P:CTG>CCG; c.227T>C, p.Leu76Pro (NM_001127660.2); short protein forms L76P.
Identifiers: ClinVar variation 2270 (VCV000002270.26), dbSNP rs28940293, ClinGen allele CA252148.